The following is an entry in ClinVar:

NM_016277.5(RAB23):c.137T>C (p.Phe46Ser)

Gene: RAB23 (RAB23, member RAS oncogene family; minus strand). Cytogenetic location: 6p11.2.
Variant type: single nucleotide variant.
Coding change: c.137T>C on transcript NM_016277.5 (MANE Select); coding-DNA position 137, T replaced by C.
Protein change: p.Phe46Ser; replaces phenylalanine 46 with serine.
Molecular consequence: missense variant. On other transcripts: non-coding transcript variant (1).
Genome position (GRCh38, 1-based): chr6:57,210,244, A>G on the plus strand (T>C on the coding strand, the complement: RAB23 is on the minus strand). VCF-style: chr6-57210244-A-G. GRCh37 (hg19) VCF-style: chr6-57075042-A-G.
Other names: c.137T>C, p.Phe46Ser (NM_001278666.2, NM_001278667.2, NM_001278668.2 and 1 more transcripts); short protein forms F46S.
Identifiers: ClinVar variation 4992808 (VCV004992808.1).

ClinVar aggregate classification (germline): Uncertain significance (1 of 4 stars; one submission).

Conditions:
RAB23-related disorder. Also called: RAB23-related condition.

gnomAD v4.1: 1 of 1,613,988 alleles (0.000062%); highest among the groups gnomAD compares: Non-Finnish European, 0.000085%; no homozygotes.

Submission:

PreventionGenetics, part of Exact Sciences
Classification: Uncertain significance for RAB23-related condition. Last evaluated: 2026-06-22. Review status: criteria provided, single submitter. Criteria: ACMG Guidelines, 2015. Collection method: clinical testing. Allele origin: germline.
Comment: The RAB23 c.137T>C variant is predicted to result in the amino acid substitution p.Phe46Ser. To our knowledge, this variant has not been reported in the literature or in a large population database (gnomAD), indicating this variant is rare. At this time, the clinical significance of this variant is uncertain due to the absence of conclusive functional and genetic evidence.